The following is an entry in ClinVar:

NM_001009944.3(PKD1):c.5976_5978del (p.Phe1992_Thr1993delinsLeu)

Gene: PKD1 (polycystin 1, transient receptor potential channel interacting; minus strand). Cytogenetic location: 16p13.3.
Variant type: Deletion.
Coding change: c.5976_5978del on transcript NM_001009944.3 (MANE Select); coding-DNA positions 5976 to 5978, 3 bases deleted (CAC; older notation c.5976_5978delCAC).
Protein change: p.Phe1992_Thr1993delinsLeu.
Molecular consequence: inframe indel.
Genome position (GRCh38, 1-based): chr16:2,109,189-2,109,191, GTG deleted on the plus strand (CAC on the coding strand, the reverse complement: PKD1 is on the minus strand). VCF-style (leftmost placement, unchanged base first): chr16-2109188-TGTG-T. GRCh37 (hg19) VCF-style: chr16-2159189-TGTG-T.
Other names: c.5976_5978delCAC (NM_001009944.3); c.5976_5978del, p.Phe1992_Thr1993delinsLeu (NM_000296.4).
Identifiers: ClinVar variation 992338 (VCV000992338.9), dbSNP rs2092438025, ClinGen allele CA1139664392.
Genomic context (GRCh38, chr16:2,109,188, plus strand): 5'-GACCTTCTGCAGCGAGAAGTACCAGGCGTAGGCGACCCGAGAGCCGCGCTGCACGCGGGC[TGTG>T]AAGTTCCTCTCAGTGCCCGTGGCGATGCCAGGCTCGCAGCAGTTGGGCACCTGCAGCCCA-3'

ClinVar aggregate classification (germline): Conflicting classifications of pathogenicity. Review status: criteria provided, conflicting classifications (1 of 4 stars). 5 submissions from 5 submitters: Likely pathogenic (3); Uncertain significance (1). 1 of the submissions does not count toward it. Last evaluated 2025-09-03.

Conditions:
Polycystic kidney disease. Also called: Polycystic kidney dysplasia; Kidney, Polycystic. Identifiers: MedGen C0022680, MeSH D007690, MONDO:0020642, HP:0000113.
Polycystic kidney disease, adult type (PKD1). Also called: POLYCYSTIC KIDNEY DISEASE, ADULT, TYPE I; Polycystic Kidney Disease 1, Autosomal Dominant; Polycystic kidney disease 1; Polycystic kidney disease 1, severe; Polycystic Kidney, Autosomal Dominant; POLYCYSTIC KIDNEY DISEASE 1 WITH OR WITHOUT POLYCYSTIC LIVER DISEASE. Identifiers: MedGen C3149841, MONDO:0008263, OMIM 173900.

Submissions (5):

Women's Health and Genetics/Laboratory Corporation of America, LabCorp
Classification: Likely pathogenic for Polycystic kidney disease, adult type. Last evaluated: 2025-09-03. Review status: criteria provided, single submitter. Criteria: LabCorp Variant Classification Summary - May 2015. Collection method: clinical testing. Allele origin: germline.
Comment: Variant summary: PKD1 c.5976_5978delCAC (p.Phe1992_Thr1993delinsLeu) results in an in-frame deletion-insertion that is predicted to delete a phenylalanine and a threonine and insert a single leucine. The variant was absent in 239982 control chromosomes (gnomAD). c.5976_5978delCAC has been observed in individuals affected with Polycystic Kidney Disease 1 (e.g., Rossetti_2001, Audrezet_2012, Heyer_2016, Schonaur_2020 Lindemann_2023). These data indicate that the variant is likely to be associated with disease. At least one publication reports experimental evidence evaluating an impact on protein function, however, does not allow convincing conclusions about the variant effect (Ma_2009). The following publications have been ascertained in the context of this evaluation (PMID: 26823553, 36938073, 19759016, 11115377, 32398770, 22508176). ClinVar contains an entry for this variant (Variation ID: 992338). Based on the evidence outlined above, the variant was classified as likely pathogenic.

Athena Diagnostics
Classification: Uncertain significance. Last evaluated: 2021-01-07. Review status: criteria provided, single submitter. Criteria: Athena Diagnostics criteria. Collection method: clinical testing. Allele origin: unknown.

Greenwood Genetic Center Diagnostic Laboratories, Greenwood Genetic Center
Classification: Likely pathogenic. Last evaluated: 2020-09-22. Review status: criteria provided, single submitter. Criteria: ACMG Guidelines, 2015. Collection method: clinical testing. Allele origin: germline. Affected: yes.

Juno Genomics, Hangzhou Juno Genomics, Inc
Classification: Likely pathogenic for Polycystic kidney disease, adult type. Review status: criteria provided, single submitter. Criteria: ACMG Guidelines, 2015. Collection method: clinical testing. Allele origin: germline. Affected: yes.
Comment: Protein length changes due to in-frame deletions/insertions in a non-repeat region or stop-loss variants.;Absent from controls (or at extremely low frequency if recessive) in Genome Aggregation Database, Exome Sequencing Project, 1000 Genomes Project, or Exome Aggregation Consortium.;The prevalence of the variant in affected individuals is significantly increased compared to the prevalence in controls.;Patient's phenotype or family history is highly specific for a disease with a single genetic etiology.

Department of Pathology and Laboratory Medicine, Sinai Health System
Classification: Uncertain significance for Polycystic Kidney disease. Review status: no assertion criteria provided. Collection method: clinical testing. Allele origin: unknown. Affected: yes. Study: The Canadian Open Genetics Repository (COGR). Not counted in ClinVar's aggregate classification.
Comment: The PKD1 p.Phe1992_Thr1993delinsLeu variant was identified in 4 of 2066 proband chromosomes (frequency: 0.002) from individuals or families with ADPKD1 (Audrezet 2012, Rossetti 2001, Rossetti 2007). The variant was also identified in ADPKD Mutation Database (as Highly Likely Pathogenic). The variant was not identified in dbSNP, ClinVar, GeneInsight-COGR, LOVD 3.0, or PKD1-LOVD databases. The variant was not identified in the following control databases: the Exome Aggregation Consortium (August 8th 2016), or the Genome Aggregation Database (Feb 27, 2017). This variant is an in-frame deletion resulting in the deletion of a phenylalanine (Phe) residue at codon 1992 and a threonine (Thr) residue at codon 1993 as well as the insertion of a single leucine (Leu) residue in their place; the impact of this alteration on PKD1 protein function is not known. This variant has been found to segregate with disease in one family (Audrezet 2012). The variant occurs outside of the splicing consensus sequence and 1 of 4 in silico or computational prediction software programs (SpliceSiteFinder, MaxEntScan, NNSPLICE, GeneSplicer) predicts a difference in splicing. In summary, based on the above information, the clinical significance of this variant cannot be determined with certainty at this time. This variant is classified as a variant of uncertain significance.

Literature cited by the submitters: PubMed 11115377 (cited by Women's Health and Genetics/Laboratory Corporation of America, LabCorp and Athena Diagnostics); PubMed 19759016 (cited by Women's Health and Genetics/Laboratory Corporation of America, LabCorp and Athena Diagnostics); PubMed 36938073 (cited by Women's Health and Genetics/Laboratory Corporation of America, LabCorp); PubMed 22508176 (cited by Women's Health and Genetics/Laboratory Corporation of America, LabCorp); PubMed 32398770 (cited by Women's Health and Genetics/Laboratory Corporation of America, LabCorp); PubMed 26823553 (cited by Women's Health and Genetics/Laboratory Corporation of America, LabCorp and Athena Diagnostics); PubMed 17582161 (cited by Athena Diagnostics); PubMed 29687770 (cited by Athena Diagnostics).